The following is an entry in ClinVar:

NM_000059.4(BRCA2):c.3055C>G (p.Leu1019Val)

Gene: BRCA2 (BRCA2 DNA repair associated; plus strand). Cytogenetic location: 13q13.1.
Variant type: single nucleotide variant.
Coding change: c.3055C>G on transcript NM_000059.4 (MANE Select); coding-DNA position 3055, C replaced by G.
Protein change: p.Leu1019Val; replaces leucine 1019 with valine.
Molecular consequence: missense variant.
Genome position (GRCh38, 1-based): chr13:32,337,410, C>G. VCF-style: chr13-32337410-C-G. GRCh37 (hg19) VCF-style: chr13-32911547-C-G.
Other names: p.L1019V:CTC>GTC; 3283C>G; short protein forms L1019V.
Identifiers: ClinVar variation 37817 (VCV000037817.83), dbSNP rs55638633, ClinGen allele CA017109.

ClinVar aggregate classification (germline): Benign. Review status: reviewed by expert panel (3 of 4 stars). 23 submissions from 23 submitters: Benign (1). 22 of the submissions do not count toward it. Last evaluated 2015-08-10.

Conditions:
Hereditary cancer-predisposing syndrome. Also called: Neoplastic Syndromes, Hereditary; Hereditary neoplastic syndrome; Hereditary Cancer Syndrome; Tumor predisposition. Identifiers: Orphanet 140162, MedGen C0027672, MeSH D009386, MONDO:0015356.
Breast neoplasm. Also called: Breast Neoplasms; Neoplasm of breast; Breast tumor; Neoplasm of the breast. Identifiers: MedGen C1458155, MeSH D001943, MONDO:0021100, HP:0100013. Disease mechanism: gain of function.
Breast and/or ovarian cancer. Identifiers: MedGen CN221562.
Hereditary breast ovarian cancer syndrome. Also called: Hereditary breast and ovarian cancer syndrome (HBOC); Breast and ovarian cancer; BRCA1- and BRCA2-Associated Hereditary Breast and Ovarian Cancer; Hereditary breast and ovarian cancer syndrome; Hereditary breast and ovarian cancer; Hereditary breast and/or ovarian cancer syndrome. Identifiers: Orphanet 145, MedGen C0677776, MeSH D061325, MONDO:0003582. Disease mechanism: loss of function.
Breast-ovarian cancer, familial, susceptibility to, 2 (BROVCA2). Also called: BRCA2 Hereditary Breast and Ovarian Cancer. Identifiers: Orphanet 145, MedGen C2675520, MONDO:0012933, OMIM 612555. Disease mechanism: loss of function.
Malignant tumor of breast. Also called: Malignant breast neoplasm; Cancer breast. Identifiers: MedGen C0006142, MONDO:0007254. Disease mechanism: loss of function.

Allele frequency attached by ClinVar (database versions not stated): gnomAD exomes 0.00013; 1000 Genomes Project 30x 0.00016; gnomAD 0.00013 and 0.00012; ExAC 0.00017; 1000 Genomes Project 0.00020; ESP Exome Variant Server 0.00015; TOPMed 0.00017.
gnomAD v4.1: 188 of 1,613,392 alleles (0.012%); highest among the groups gnomAD compares: Middle Eastern, 0.05%; no homozygotes.

Submissions (23):

Evidence-based Network for the Interpretation of Germline Mutant Alleles (ENIGMA)
Classification: Benign for Breast-ovarian cancer, familial 2. Last evaluated: 2015-08-10. Review status: reviewed by expert panel. Criteria: ENIGMA BRCA1/2 Classification Criteria (2015). Collection method: curation. Allele origin: germline.
Comment: IARC class based on posterior probability from multifactorial likelihood analysis, thresholds for class as per Plon et al. 2008 (PMID: 18951446). Class 1 based on posterior probability = 0.00000000714

CeGaT Center for Human Genetics Tuebingen
Classification: Likely benign. Last evaluated: 2026-08-01. Review status: criteria provided, single submitter. Criteria: CeGaT Center For Human Genetics Tuebingen Variant Classification Criteria Version 2. Collection method: clinical testing. Allele origin: germline. Affected: yes. Observed: 9 variant alleles. Not counted in ClinVar's aggregate classification.
Comment: BRCA2: BP1, BP4, BS3:Moderate

Labcorp Genetics (formerly Invitae), Labcorp
Classification: Benign for Hereditary breast ovarian cancer syndrome. Last evaluated: 2026-02-01. Review status: criteria provided, single submitter. Criteria: Invitae Variant Classification Sherloc (09022015). Collection method: clinical testing. Allele origin: germline. Not counted in ClinVar's aggregate classification.

Center for Genomic Medicine, Rigshospitalet, Copenhagen University Hospital
Classification: Benign. Last evaluated: 2025-03-04. Review status: criteria provided, single submitter. Criteria: ACMG Guidelines, 2015. Collection method: clinical testing. Allele origin: germline. Not counted in ClinVar's aggregate classification.

Blueprint Genetics
Classification: Likely benign. Last evaluated: 2024-11-19. Review status: criteria provided, single submitter. Criteria: ACMG Guidelines, 2015. Collection method: clinical testing. Allele origin: germline. Not counted in ClinVar's aggregate classification.

KCCC/NGS Laboratory, Kuwait Cancer Control Center
Classification: Benign for Breast-ovarian cancer, familial, susceptibility to, 2. Last evaluated: 2023-07-07. Review status: criteria provided, single submitter. Criteria: ACMG Guidelines, 2015. Collection method: clinical testing. Allele origin: germline. Affected: yes. Not counted in ClinVar's aggregate classification.

Sema4
Classification: Likely benign for Hereditary cancer-predisposing syndrome. Last evaluated: 2021-03-16. Review status: criteria provided, single submitter. Criteria: Sema4 Curation Guidelines. Collection method: curation. Allele origin: germline. Not counted in ClinVar's aggregate classification.

GeneDx
Classification: Likely benign. Last evaluated: 2021-02-09. Review status: criteria provided, single submitter. Criteria: GeneDx Variant Classification Process June 2021. Collection method: clinical testing. Allele origin: germline. Affected: yes. Not counted in ClinVar's aggregate classification.
Comment: This variant is associated with the following publications: (PMID: 20104584, 12474142, 25637381, 21990134, 12845657, 21671020, 24323938, 23231788, 27376475, 21520273, 26332594, 17924331, 28283652, 30995915, 32444794, 32426482, 31851867, 31131967)

ARUP Laboratories, Molecular Genetics and Genomics, ARUP Laboratories
Classification: Benign. Last evaluated: 2019-10-30. Review status: criteria provided, single submitter. Criteria: ARUP Molecular Germline Variant Investigation Process. Collection method: clinical testing. Allele origin: germline. Not counted in ClinVar's aggregate classification.

Mendelics
Classification: Likely benign for Breast-ovarian cancer, familial, susceptibility to, 2. Last evaluated: 2019-05-28. Review status: criteria provided, single submitter. Criteria: Mendelics Assertion Criteria 2017. Collection method: clinical testing. Allele origin: unknown. Not counted in ClinVar's aggregate classification.

Institute for Biomarker Research, Medical Diagnostic Laboratories, L.L.C.
Classification: Likely benign for Hereditary cancer-predisposing syndrome. Last evaluated: 2018-01-16. Review status: criteria provided, single submitter. Criteria: ACMG Guidelines, 2015. Collection method: clinical testing. Allele origin: germline. Not counted in ClinVar's aggregate classification.

CHEO Genetics Diagnostic Laboratory, Children's Hospital of Eastern Ontario
Classification: Likely benign for Breast and/or ovarian cancer. Last evaluated: 2016-12-29. Review status: criteria provided, single submitter. Criteria: ACMG Guidelines, 2015. Collection method: clinical testing. Allele origin: germline. Study: Canadian Open Genetics Repository. Not counted in ClinVar's aggregate classification.

Laboratory for Molecular Medicine, Mass General Brigham Personalized Medicine
Classification: Likely benign. Last evaluated: 2016-03-28. Review status: criteria provided, single submitter. Criteria: LMM Criteria. Collection method: clinical testing. Allele origin: germline. Not counted in ClinVar's aggregate classification.
Comment: Variant identified in a genome or exome case(s) and assessed due to predicted null impact of the variant or pathogenic assertions in the literature or databases. Disclaimer: This variant has not undergone full assessment. The following are preliminary notes: All publications in HGMD list as non-pathogenic; ExAC: 16/66172 European chromosomes

Clinical Genetics DNA and cytogenetics Diagnostics Lab, Erasmus MC, Erasmus Medical Center
Classification: Benign for Breast-ovarian cancer, familial, susceptibility to, 2. Last evaluated: 2015-09-21. Review status: criteria provided, single submitter. Criteria: ACGS Guidelines, 2013. Collection method: clinical testing. Allele origin: germline. Affected: yes. Study: VKGL Data-share Consensus. Not counted in ClinVar's aggregate classification.

Genome Diagnostics Laboratory, University Medical Center Utrecht
Classification: Likely benign for Breast-ovarian cancer, familial, susceptibility to, 2. Last evaluated: 2015-05-26. Review status: criteria provided, single submitter. Criteria: ACGS Guidelines, 2013. Collection method: clinical testing. Allele origin: germline. Affected: yes. Study: VKGL Data-share Consensus. Not counted in ClinVar's aggregate classification.

Color Diagnostics, LLC DBA Color Health
Classification: Likely benign for Hereditary cancer-predisposing syndrome. Last evaluated: 2015-03-12. Review status: criteria provided, single submitter. Criteria: ACMG Guidelines, 2015. Collection method: clinical testing. Allele origin: germline. Not counted in ClinVar's aggregate classification.

Ambry Genetics
Classification: Benign for Hereditary cancer-predisposing syndrome. Last evaluated: 2014-11-19. Review status: criteria provided, single submitter. Criteria: Ambry Variant Classification Scheme 2023. Collection method: clinical testing. Allele origin: germline. Not counted in ClinVar's aggregate classification.

CSER _CC_NCGL, University of Washington
Classification: Likely benign for Breast cancer. Last evaluated: 2014-06-01. Review status: no assertion criteria provided. Collection method: research. Allele origin: germline. Inheritance: Autosomal dominant inheritance. Study: ESP 6500 variant annotation. Not counted in ClinVar's aggregate classification.
Comment: Variants classified for the Actionable exomic incidental findings in 6503 participants: challenges of variant classification manuscript

Sharing Clinical Reports Project (SCRP)
Classification: Benign for Breast-ovarian cancer, familial 2. Last evaluated: 2008-06-07. Review status: no assertion criteria provided. Collection method: clinical testing. Allele origin: germline. Not counted in ClinVar's aggregate classification.

Breast Cancer Information Core (BIC) (BRCA2)
Classification: Uncertain significance for Breast-ovarian cancer, familial 2. Last evaluated: 2002-05-29. Review status: no assertion criteria provided. Collection method: clinical testing. Allele origin: germline. Affected: yes. Observed: 22 variant alleles. Not counted in ClinVar's aggregate classification.

Clinical Genetics Laboratory, Department of Pathology, Netherlands Cancer Institute
Classification: Benign. Review status: no assertion criteria provided. Collection method: clinical testing. Allele origin: germline. Affected: yes. Study: VKGL Data-share Consensus. Not counted in ClinVar's aggregate classification.

Department of Pathology and Laboratory Medicine, Sinai Health System
Classification: Benign for Malignant tumor of breast. Review status: no assertion criteria provided. Collection method: clinical testing. Allele origin: unknown. Affected: yes. Study: The Canadian Open Genetics Repository (COGR). Not counted in ClinVar's aggregate classification.
Comment: The BRCA2 p.Leu1019Val variant was identified in 4 of 5690 proband chromosomes (frequency: 0.001) from individuals with breast or prostate cancer (Balia 2011 21671020, Capanu 2011, DeSanjose 2003, Edwards 2003). The variant was listed in dbSNP (ID: rs55638633) â€šÃ„ÃºWith untested alleleâ€šÃ„Ã¹, with one variant allele identified in the 1000 Genomes Project (frequency: 0.0005), and was identified in of 8590 European American alleles in the NHLBI Exome Sequencing Project (Exome Variant Server). However, this low number of observations and frequency is not substantive enough to determine the prevalence of this variant in the general population. The variant was also identified in HGMD, LOVD, the BIC database (22X with unknown clinical importance), and UMD (11X as a neutral variant). In UMD, the variant was identified in co-occurrence with two different pathogenic BRCA2 mutations and two different pathogenic BRCA1 mutations, increasing the likelihood that the p.Leu1019Val variant does not have clinical significance. The p.Leu1019 residue is conserved in mammals but not in lower organisms, and computational analyses (PolyPhen-2, SIFT, AlignGVGD, BLOSUM, MutationTaster) do not suggest a high likelihood of impact to the protein. This information is not very predictive of pathogenicity. One functional assay found that expression of the variant did not increase spontaneous recombination in human cells, in a manner similar to expression of wild-type BRCA2 (Balia 2011). A yeast-based assay found that the variant demonstrated similar to wild-type homologous recombination (Spugnesi 2013). Three in silico models predicted the variant to be non-pathogenic or of no clinical significance (Capanu 2011, Easton 2007, Lindor 2012 21990134). In summary, based on the above information, this variant meets our laboratory's criteria to be classified as benign.

Joint Genome Diagnostic Labs from Nijmegen and Maastricht, Radboudumc and MUMC+
Classification: Benign. Review status: no assertion criteria provided. Collection method: clinical testing. Allele origin: germline. Affected: yes. Study: VKGL Data-share Consensus. Not counted in ClinVar's aggregate classification.

Literature cited by the submitters: PubMed 21990134 (cited by Evidence-based Network for the Interpretation of Germline Mutant Alleles (ENIGMA)).